The following is an entry in ClinVar:

ClinVar aggregate classification (germline): Conflicting classifications of pathogenicity. Review status: criteria provided, conflicting classifications (1 of 4 stars). 3 submissions from 3 submitters: Uncertain significance (1); Likely benign (1). 1 of the submissions does not count toward it. Last evaluated 2025-08-10.

Conditions:
ADCY10-related disorder. Also called: ADCY10-related condition.

Allele frequency attached by ClinVar (database versions not stated): ExAC 0.00019; gnomAD 0.00052; ESP Exome Variant Server 0.00077; 1000 Genomes Project 0.00100; 1000 Genomes Project 30x 0.00141.
gnomAD v4.1: 163 of 1,614,038 alleles (0.01%); highest among the groups gnomAD compares: African/African-American, 0.21%; 1 homozygote.

Submissions (3):

Ambry Genetics
Classification: Uncertain significance. Last evaluated: 2025-08-10. Review status: criteria provided, single submitter. Criteria: Ambry Variant Classification Scheme 2023. Collection method: clinical testing. Allele origin: germline.

Labcorp Genetics (formerly Invitae), Labcorp
Classification: Likely benign. Last evaluated: 2025-07-01. Review status: criteria provided, single submitter. Criteria: Invitae Variant Classification Sherloc (09022015). Collection method: clinical testing. Allele origin: germline.

PreventionGenetics, part of Exact Sciences
Classification: Likely benign for ADCY10-related condition. Last evaluated: 2024-07-26. Review status: no assertion criteria provided. Collection method: clinical testing. Allele origin: germline. Not counted in ClinVar's aggregate classification.
Comment: This variant is classified as likely benign based on ACMG/AMP sequence variant interpretation guidelines (Richards et al. 2015 PMID: 25741868, with internal and published modifications).

NM_018417.6(ADCY10):c.4530C>G (p.Cys1510Trp)

Gene: ADCY10 (adenylate cyclase 10; minus strand). Cytogenetic location: 1q24.2.
Variant type: single nucleotide variant.
Coding change: c.4530C>G on transcript NM_018417.6 (MANE Select); coding-DNA position 4530, C replaced by G.
Protein change: p.Cys1510Trp; replaces cysteine 1510 with tryptophan.
Molecular consequence: missense variant.
Genome position (GRCh38, 1-based): chr1:167,810,866, G>C on the plus strand (C>G on the coding strand, the complement: ADCY10 is on the minus strand). VCF-style: chr1-167810866-G-C. GRCh37 (hg19) VCF-style: chr1-167780103-G-C.
Other names: c.4071C>G, p.Cys1357Trp (NM_001167749.3); c.4254C>G, p.Cys1418Trp (NM_001297772.2); short protein forms C1357W, C1510W, C1418W.
Identifiers: ClinVar variation 2350179 (VCV002350179.6), dbSNP rs114703390, ClinGen allele CA1226993.
Genomic context (GRCh38, chr1:167,810,866, plus strand): 5'-ACATTTCTGCCCATCTCCCATTAATATACAGACGTAAGCCATCAGGTGGTAGAGCCTTGG[G>C]CAAAAGACAGGGCCAGTGGTATTTTGAGCCACCAGATTCTCCAAGTTCTAAAGAAAAAAA-3'
Protein context (NP_060887.2, residues 1500-1520): VAQNTTGPVF[Cys1510Trp]PRLYHLMAYV